The following is an entry in ClinVar:

ClinVar aggregate classification (germline): Uncertain significance (1 of 4 stars; one submission).

Conditions:
Developmental and epileptic encephalopathy, 36 (DEE36). Also called: Epileptic encephalopathy, early infantile, 36; ALG13-CDG; Congenital disorder of glycosylation, type Is. Identifiers: Orphanet 324422, MedGen C4317295, MONDO:0010472, OMIM 300884.

Allele frequency attached by ClinVar (database versions not stated): gnomAD exomes below 0.00001.
gnomAD v4.1: 2 of 1,211,078 alleles (0.00017%); highest among the groups gnomAD compares: African/African-American, 0.0035%; no homozygotes.

Submission:

Labcorp Genetics (formerly Invitae), Labcorp
Classification: Uncertain significance for Developmental and epileptic encephalopathy, 36. Last evaluated: 2023-06-14. Review status: criteria provided, single submitter. Criteria: Invitae Variant Classification Sherloc (09022015). Collection method: clinical testing. Allele origin: germline.
Comment: In summary, the available evidence is currently insufficient to determine the role of this variant in disease. Therefore, it has been classified as a Variant of Uncertain Significance. An algorithm developed to predict the effect of missense changes on protein structure and function (PolyPhen-2) suggests that this variant is likely to be tolerated. This variant has not been reported in the literature in individuals affected with ALG13-related conditions. This variant is present in population databases (no rsID available, gnomAD 0.008%), including at least one homozygous and/or hemizygous individual. This sequence change replaces asparagine, which is neutral and polar, with lysine, which is basic and polar, at codon 789 of the ALG13 protein (p.Asn789Lys).

NM_001099922.3(ALG13):c.2367T>A (p.Asn789Lys)

Gene: ALG13 (ALG13 UDP-N-acetylglucosaminyltransferase subunit; plus strand). Cytogenetic location: Xq23.
Variant type: single nucleotide variant.
Coding change: c.2367T>A on transcript NM_001099922.3 (MANE Select); coding-DNA position 2367, T replaced by A.
Protein change: p.Asn789Lys; replaces asparagine 789 with lysine.
Molecular consequence: missense variant. On other transcripts: non-coding transcript variant (1).
Genome position (GRCh38, 1-based): chrX:111,728,304, T>A. VCF-style: chrX-111728304-T-A. GRCh37 (hg19) VCF-style: chrX-110971532-T-A.
Other names: c.2055T>A, p.Asn685Lys (NM_001257230.2, NM_001257234.2, NM_001257237.2); c.2133T>A, p.Asn711Lys (NM_001257231.2); c.2367T>A, p.Asn789Lys (NM_001324292.2); c.1881T>A, p.Asn627Lys (NM_001324293.1); short protein forms N711K, N627K, N685K, N789K.
Identifiers: ClinVar variation 2763036 (VCV002763036.3), dbSNP rs1180708275, ClinGen allele CA414253881.